The following is an entry in ClinVar:

ClinVar aggregate classification (germline): Uncertain significance (1 of 4 stars; one submission).

gnomAD v4.1: 153 of 1,575,030 alleles (0.0097%); highest among the groups gnomAD compares: Non-Finnish European, 0.013%; no homozygotes.

Submission:

GeneDx
Classification: Uncertain significance. Last evaluated: 2026-03-24. Review status: criteria provided, single submitter. Criteria: GeneDx Variant Classification Process June 2021. Collection method: clinical testing. Allele origin: germline.
Comment: Not observed at significant frequency in large population cohorts (gnomAD); In silico analysis supports that this missense variant has a deleterious effect on protein structure/function; Has not been previously published as pathogenic or benign to our knowledge; In silico analysis suggests this variant may impact gene splicing. In the absence of RNA/functional studies, the actual effect of this sequence change is unknown.

NM_005883.3(APC2):c.511C>T (p.His171Tyr)

Gene: APC2 (APC regulator of Wnt signaling pathway 2; plus strand). Cytogenetic location: 19p13.3.
Variant type: single nucleotide variant.
Coding change: c.511C>T on transcript NM_005883.3 (MANE Select); coding-DNA position 511, C replaced by T.
Protein change: p.His171Tyr; replaces histidine 171 with tyrosine.
Molecular consequence: missense variant.
Genome position (GRCh38, 1-based): chr19:1,455,246, C>T. VCF-style: chr19-1455246-C-T. GRCh37 (hg19) VCF-style: chr19-1455245-C-T.
Other names: c.511C>T, p.His171Tyr (NM_001351273.1); short protein forms H171Y.
Identifiers: ClinVar variation 5017033 (VCV005017033.1).
Genomic context (GRCh38, chr19:1,455,246, plus strand): 5'-GAGAAGCTCTGGTACTACTCTCAGCTGCAGGGCCTGTCCAAGCGCCTGGACGAGCTGCCG[C>T]ACGTGGAGACGGTGAGCCGGCCGGGGAGCCAGGGGGCAGCGCGCCCGCCCCACTCAGGGT-3'
Protein context (NP_005874.1, residues 161-181): GLSKRLDELP[His171Tyr]VETQFSMQMD